The following is an entry in ClinVar:

ClinVar aggregate classification (germline): Uncertain significance. Review status: criteria provided, multiple submitters, no conflicts (2 of 4 stars). 2 submissions from 2 submitters: Uncertain significance (2). Last evaluated 2026-03-30.

Conditions:
Cardiovascular phenotype. Identifiers: MedGen CN230736.
Hereditary cancer-predisposing syndrome. Also called: Neoplastic Syndromes, Hereditary; Tumor predisposition; Hereditary neoplastic syndrome; Hereditary Cancer Syndrome. Identifiers: Orphanet 140162, MedGen C0027672, MeSH D009386, MONDO:0015356.

Submissions (2):

GeneDx
Classification: Uncertain significance. Last evaluated: 2026-03-30. Review status: criteria provided, single submitter. Criteria: GeneDx Variant Classification Process June 2021. Collection method: clinical testing. Allele origin: germline.
Comment: In-frame deletion of 1 amino acid(s) in a non-repeat region; Has not been previously published as pathogenic or benign to our knowledge; In silico analysis supports a deleterious effect on protein structure/function; Not observed at significant frequency in large population cohorts (gnomAD); This variant is associated with the following publications: (PMID: 27535533)

Ambry Genetics
Classification: Uncertain significance for Cardiovascular phenotype; Hereditary cancer-predisposing syndrome. Last evaluated: 2025-04-02. Review status: criteria provided, single submitter. Criteria: Ambry Variant Classification Scheme 2023. Collection method: clinical testing. Allele origin: germline.
Comment: The c.503_505delAAG variant (also known as p.E168del) is located in coding exon 5 of the LZTR1 gene. This variant results from an in-frame AAG deletion at nucleotide positions 503 to 505. This results in the in-frame deletion of a glutamic acid at codon 168. This amino acid position is highly conserved in available vertebrate species. In addition, this alteration is predicted to be deleterious by in silico analysis (Choi Y et al. PLoS ONE. 2012; 7(10):e46688). Based on the available evidence, the clinical significance of this variant remains unclear.

NM_006767.4(LZTR1):c.503_505del (p.Glu168del)

Gene: LZTR1 (leucine zipper like post translational regulator 1; plus strand). Cytogenetic location: 22q11.21.
Variant type: Deletion.
Coding change: c.503_505del on transcript NM_006767.4 (MANE Select); coding-DNA positions 503 to 505, 3 bases deleted (AAG; older notation c.503_505delAAG).
Protein change: p.Glu168del; deletes glutamic acid 168.
Genome position (GRCh38, 1-based): chr22:20,988,112-20,988,114, AAG deleted; deleting any 3 consecutive bases within chr22:20,988,111-20,988,114 gives the same sequence; the c. name uses the placement nearest the transcript's 3' end. VCF-style (leftmost placement, unchanged base first): chr22-20988110-TGAA-T. GRCh37 (hg19) VCF-style: chr22-21342399-TGAA-T.
Other names: c.503_505delAAG (NM_006767.3); c.503_505del (NM_006767.3); short protein forms E168del.
Identifiers: ClinVar variation 3964049 (VCV003964049.2).